The following is an entry in ClinVar:

NM_000475.5(NR0B1):c.588G>A (p.Leu196=)

Gene: NR0B1 (nuclear receptor subfamily 0 group B member 1; minus strand). Cytogenetic location: Xp21.2.
Variant type: single nucleotide variant.
Coding change: c.588G>A on transcript NM_000475.5 (MANE Select); coding-DNA position 588, G replaced by A.
Protein change: p.Leu196=; no amino-acid change (leucine 196 retained).
Molecular consequence: synonymous variant.
Genome position (GRCh38, 1-based): chrX:30,308,776, C>T on the plus strand (G>A on the coding strand, the complement: NR0B1 is on the minus strand). VCF-style: chrX-30308776-C-T. GRCh37 (hg19) VCF-style: chrX-30326893-C-T.
Identifiers: ClinVar variation 703375 (VCV000703375.13), dbSNP rs138855021, ClinGen allele CA10376372.

ClinVar aggregate classification (germline): Benign. Review status: criteria provided, multiple submitters, no conflicts (2 of 4 stars). 4 submissions from 4 submitters: Benign (3). 1 of the submissions does not count toward it. Last evaluated 2026-02-03.

Conditions:
NR0B1-related disorder.
Congenital adrenal hypoplasia, X-linked (AHC). Also called: Isolated X-Linked Adrenal Hypoplasia Congenita; X-linked AHC; X-Linked Adrenal Hypoplasia Congenita; ADRENAL HYPOPLASIA, CONGENITAL, WITH HYPOGONADOTROPIC HYPOGONADISM. Identifiers: Orphanet 95702, MedGen C0342482, MONDO:0010264, OMIM 300200. Disease mechanism: loss of function.
46,XY sex reversal 2. Also called: 46XY sex reversal 2, dosage-sensitive; NR0B1-Related 46,XY CGD; NR0B1-related 46,XY complete gonadal dysgenesis; 46,XY SEX REVERSAL, DAX1-RELATED; Dosage-sensitive sex reversal. Identifiers: MedGen C1848296, MONDO:0010226, OMIM 300018.

Allele frequency attached by ClinVar (database versions not stated): gnomAD exomes 0.00023 and 0.00059; ExAC 0.00097; gnomAD 0.00220 and 0.00231; TOPMed 0.00254; ESP Exome Variant Server 0.00278; 1000 Genomes Project 0.00344; 1000 Genomes Project 30x 0.00437.

Submissions (4):

Labcorp Genetics (formerly Invitae), Labcorp
Classification: Benign for Congenital adrenal hypoplasia, X-linked; 46,XY sex reversal 2. Last evaluated: 2026-02-03. Review status: criteria provided, single submitter. Criteria: Invitae Variant Classification Sherloc (09022015). Collection method: clinical testing. Allele origin: germline.

Fulgent Genetics
Classification: Benign for 46,XY sex reversal 2; Congenital adrenal hypoplasia, X-linked. Last evaluated: 2021-07-22. Review status: criteria provided, single submitter. Criteria: ACMG Guidelines, 2015. Collection method: clinical testing. Allele origin: unknown.

Breakthrough Genomics
Classification: Benign. Review status: criteria provided, single submitter. Criteria: ACMG Guidelines, 2015. Collection method: not provided. Allele origin: germline. Inheritance: X-linked inheritance. Affected: yes.

PreventionGenetics, part of Exact Sciences
Classification: Likely benign for NR0B1-related condition. Last evaluated: 2019-04-30. Review status: no assertion criteria provided. Collection method: clinical testing. Allele origin: germline. Not counted in ClinVar's aggregate classification.
Comment: This variant is classified as likely benign based on ACMG/AMP sequence variant interpretation guidelines (Richards et al. 2015 PMID: 25741868, with internal and published modifications).